The following is an entry in ClinVar:

NM_005120.3(MED12):c.3284T>C (p.Val1095Ala)

Gene: MED12 (mediator complex subunit 12; plus strand). Cytogenetic location: Xq13.1.
Variant type: single nucleotide variant.
Coding change: c.3284T>C on transcript NM_005120.3 (MANE Select); coding-DNA position 3284, T replaced by C.
Protein change: p.Val1095Ala; replaces valine 1095 with alanine.
Molecular consequence: missense variant.
Genome position (GRCh38, 1-based): chrX:71,128,370, T>C. VCF-style: chrX-71128370-T-C. GRCh37 (hg19) VCF-style: chrX-70348220-T-C.
Other names: short protein forms V1095A.
Identifiers: ClinVar variation 1187000 (VCV001187000.8), dbSNP rs2147802401, ClinGen allele CA413518183.

ClinVar aggregate classification (germline): Uncertain significance. Review status: criteria provided, multiple submitters, no conflicts (2 of 4 stars). 5 submissions from 5 submitters: Uncertain significance (5). Last evaluated 2024-08-19.

Conditions:
FG syndrome (FGS). Identifiers: MedGen C0220769, MONDO:0002010.
Familial thoracic aortic aneurysm and aortic dissection (TAAD). Also called: Thoracic aortic aneurysms and dissections. Identifiers: Orphanet 91387, MedGen C4707243, MONDO:0019625.
MED12-Related Disorders. Also called: MED12-related disorder; MED12-related condition. Identifiers: MedGen CN381102.

Submissions (5):

Ambry Genetics
Classification: Uncertain significance for Familial thoracic aortic aneurysm and aortic dissection. Last evaluated: 2024-08-19. Review status: criteria provided, single submitter. Criteria: Ambry Variant Classification Scheme 2023. Collection method: clinical testing. Allele origin: germline.

Greenwood Genetic Center Diagnostic Laboratories, Greenwood Genetic Center
Classification: Uncertain significance. Last evaluated: 2024-01-10. Review status: criteria provided, single submitter. Criteria: ACMG Guidelines, 2015. Collection method: clinical testing. Allele origin: germline. Affected: yes.
Comment: PM2, BP4, PP2

PreventionGenetics, part of Exact Sciences
Classification: Uncertain significance for MED12-related condition. Last evaluated: 2023-09-22. Review status: criteria provided, single submitter. Criteria: ACMG Guidelines, 2015. Collection method: clinical testing. Allele origin: germline.
Comment: The MED12 c.3284T>C variant is predicted to result in the amino acid substitution p.Val1095Ala. To our knowledge, this variant has not been reported in the literature or in a large population database, indicating this variant is rare. At this time, the clinical significance of this variant is uncertain due to the absence of conclusive functional and genetic evidence.

Labcorp Genetics (formerly Invitae), Labcorp
Classification: Uncertain significance for FG syndrome. Last evaluated: 2023-05-23. Review status: criteria provided, single submitter. Criteria: Invitae Variant Classification Sherloc (09022015). Collection method: clinical testing. Allele origin: germline.
Comment: ClinVar contains an entry for this variant (Variation ID: 1187000). This variant has not been reported in the literature in individuals affected with MED12-related conditions. This variant is not present in population databases (gnomAD no frequency). This sequence change replaces valine, which is neutral and non-polar, with alanine, which is neutral and non-polar, at codon 1095 of the MED12 protein (p.Val1095Ala). Advanced modeling of protein sequence and biophysical properties (such as structural, functional, and spatial information, amino acid conservation, physicochemical variation, residue mobility, and thermodynamic stability) performed at Invitae indicates that this missense variant is not expected to disrupt MED12 protein function. In summary, the available evidence is currently insufficient to determine the role of this variant in disease. Therefore, it has been classified as a Variant of Uncertain Significance.

GeneDx
Classification: Uncertain significance. Last evaluated: 2020-06-19. Review status: criteria provided, single submitter. Criteria: GeneDx Variant Classification Process June 2021. Collection method: clinical testing. Allele origin: germline. Affected: yes.
Comment: Not observed in large population cohorts (Lek et al., 2016); In silico analysis supports that this missense variant has a deleterious effect on protein structure/function; Has not been previously published as pathogenic or benign to our knowledge